The following is an entry in ClinVar:

ClinVar aggregate classification (germline): Benign/Likely benign. Review status: criteria provided, multiple submitters, no conflicts (2 of 4 stars). 7 submissions from 7 submitters: Benign (3); Likely benign (4). Last evaluated 2026-08-01.

Conditions:
Imerslund-Grasbeck syndrome type 1 (IGS1). Also called: Imerslund-Gräsbeck syndrome 1; Megaloblastic anemia 1, Finnish type; MEGALOBLASTIC ANEMIA, 1. Identifiers: MedGen C4016819, MONDO:0100156, OMIM 261100.
Imerslund-Grasbeck syndrome. Also called: PERNICIOUS ANEMIA, JUVENILE, DUE TO SELECTIVE INTESTINAL MALABSORPTION OF VITAMIN B12, WITH PROTEINURIA; ENTEROCYTE COBALAMIN MALABSORPTION; ENTEROCYTE INTRINSIC FACTOR RECEPTOR, DEFECT OF; Megaloblastic anemia due to inborn errors of metabolism; Imerslund-Gräsbeck syndrome. Identifiers: Orphanet 35858, MedGen C4551825, MONDO:0009853.

Allele frequency attached by ClinVar (database versions not stated): 1000 Genomes Project 30x 0.00265; 1000 Genomes Project 0.00319; TOPMed 0.00716; gnomAD 0.00719 and 0.00756; ESP Exome Variant Server 0.00846.
gnomAD v4.1: 15,287 of 1,613,902 alleles (0.95%); highest among the groups gnomAD compares: Non-Finnish European, 1.1%; 84 homozygotes.

Submissions (7):

CeGaT Center for Human Genetics Tuebingen
Classification: Likely benign. Last evaluated: 2026-08-01. Review status: criteria provided, single submitter. Criteria: CeGaT Center For Human Genetics Tuebingen Variant Classification Criteria Version 2. Collection method: clinical testing. Allele origin: germline. Affected: yes. Observed: 14 variant alleles.
Comment: CUBN: BP4, BS1

Labcorp Genetics (formerly Invitae), Labcorp
Classification: Likely benign for Imerslund-Grasbeck syndrome. Last evaluated: 2026-02-01. Review status: criteria provided, single submitter. Criteria: Invitae Variant Classification Sherloc (09022015). Collection method: clinical testing. Allele origin: germline.

ARUP Laboratories, Molecular Genetics and Genomics, ARUP Laboratories
Classification: Likely benign. Last evaluated: 2023-10-13. Review status: criteria provided, single submitter. Criteria: ARUP Molecular Germline Variant Investigation Process 2024. Collection method: clinical testing. Allele origin: germline.

Mayo Clinic Laboratories, Mayo Clinic
Classification: Benign. Last evaluated: 2023-06-22. Review status: criteria provided, single submitter. Criteria: ACMG Guidelines, 2015. Collection method: clinical testing. Allele origin: germline. Observed: 4 variant alleles.
Comment: BS1, BS2, BP4

GeneDx
Classification: Benign. Last evaluated: 2021-01-29. Review status: criteria provided, single submitter. Criteria: GeneDx Variant Classification Process June 2021. Collection method: clinical testing. Allele origin: germline. Affected: yes.
Comment: Previously reported as either a pathogenic variant associated with inherited cobalamin (vitamin B12) malabsorption, or in linkage disequilibrium with an undetected CUBN pathogenic variant (Tanner et al., 2012); Identified in a patient with methylmalonic acidemia and not considered to be pathogenic (Pupavac et al., 2016); In silico analysis, which includes protein predictors and evolutionary conservation, supports that this variant does not alter protein structure/function; This variant is associated with the following publications: (PMID: 22929189, 26827111, 31462756, 33111339)

Eurofins Ntd Llc (ga)
Classification: Likely benign. Last evaluated: 2018-01-24. Review status: criteria provided, single submitter. Criteria: EGL Classification Definitions 2015. Collection method: clinical testing. Allele origin: germline. Observed: 1 variant allele, 1 heterozygote.

Illumina Laboratory Services, Illumina
Classification: Benign for Imerslund-Grasbeck syndrome type 1. Last evaluated: 2017-04-27. Review status: criteria provided, single submitter. Criteria: ICSL Variant Classification Criteria 13 December 2019. Collection method: clinical testing. Allele origin: germline.
Comment: This variant was observed as part of a predisposition screen in an ostensibly healthy population. A literature search was performed for the gene, cDNA change, and amino acid change (where applicable). No publications were found based on this search. Allele frequency data from public databases was too high to be consistent with this variant causing disease. Therefore, this variant is classified as benign.

Literature cited by the submitters: PubMed 22929189 (cited by Mayo Clinic Laboratories, Mayo Clinic); PubMed 31462756 (cited by Mayo Clinic Laboratories, Mayo Clinic); PubMed 33111339 (cited by Mayo Clinic Laboratories, Mayo Clinic); PubMed 34426522 (cited by Mayo Clinic Laboratories, Mayo Clinic).

NM_001081.4(CUBN):c.2594G>A (p.Ser865Asn)

Gene: CUBN (cubilin; minus strand). Cytogenetic location: 10p13.
Variant type: single nucleotide variant.
Coding change: c.2594G>A on transcript NM_001081.4 (MANE Select); coding-DNA position 2594, G replaced by A.
Protein change: p.Ser865Asn; replaces serine 865 with asparagine.
Molecular consequence: missense variant.
Genome position (GRCh38, 1-based): chr10:17,071,457, C>T on the plus strand (G>A on the coding strand, the complement: CUBN is on the minus strand). VCF-style: chr10-17071457-C-T. GRCh37 (hg19) VCF-style: chr10-17113456-C-T.
Other names: p.Ser865Asn; short protein forms S865N.
Identifiers: ClinVar variation 265086 (VCV000265086.52), dbSNP rs138083522, ClinGen allele CA5424938.